The following is an entry in ClinVar:

NM_004991.4(MECOM):c.1630G>T (p.Ala544Ser)

Gene: MECOM (MDS1 and EVI1 complex locus; minus strand). Cytogenetic location: 3q26.2.
Variant type: single nucleotide variant.
Coding change: c.1630G>T on transcript NM_004991.4 (MANE Select); coding-DNA position 1630, G replaced by T.
Protein change: p.Ala544Ser; replaces alanine 544 with serine.
Molecular consequence: missense variant. On other transcripts: intron variant (2).
Genome position (GRCh38, 1-based): chr3:169,116,242, C>A on the plus strand (G>T on the coding strand, the complement: MECOM is on the minus strand). VCF-style: chr3-169116242-C-A. GRCh37 (hg19) VCF-style: chr3-168834030-C-A.
Other names: c.1261G>T, p.Ala421Ser (NM_001105077.4); c.1066G>T, p.Ala356Ser (NM_001105078.4, NM_001164000.2, NM_001205194.2 and 4 more transcripts); c.1069G>T, p.Ala357Ser (NM_001163999.2, NM_001366467.2, NM_001366468.2 and 1 more transcripts); c.1630G>T, p.Ala544Ser (NM_001366466.2); c.1133-475G>T (NM_001366473.2); c.569-475G>T (NM_001366474.2); c.1630G>T (NM_004991.3); short protein forms A356S, A357S, A421S, A544S.
Identifiers: ClinVar variation 1334184 (VCV001334184.2), dbSNP rs2149079059, ClinGen allele CA355061931.

ClinVar aggregate classification (germline): Uncertain significance. Review status: criteria provided, single submitter (1 of 4 stars). 2 submissions from 2 submitters: Uncertain significance (1). 1 of the submissions does not count toward it. Last evaluated 2025-10-26.

Conditions:
Inborn genetic diseases. Identifiers: MedGen C0950123, MeSH D030342.
Radioulnar synostosis. Also called: Congenital radioulnar synostosis. Identifiers: Orphanet 3269, MedGen C0158761, MONDO:0017985, HP:0002974.

Submissions (2):

Ambry Genetics
Classification: Uncertain significance for Inborn genetic diseases. Last evaluated: 2025-10-26. Review status: criteria provided, single submitter. Criteria: Ambry Variant Classification Scheme 2023. Collection method: clinical testing. Allele origin: germline.
Comment: The p.A544S variant (also known as c.1630G>T), located in coding exon 8 of the MECOM gene, results from a G to T substitution at nucleotide position 1630. The alanine at codon 544 is replaced by serine, an amino acid with similar properties. This amino acid position is conserved. In addition, this alteration is predicted to be tolerated by in silico analysis. Based on the available evidence, the clinical significance of this variant remains unclear.

The Laboratory of Genetics and Metabolism, Hunan Children’s Hospital
Classification: Uncertain significance for Radioulnar synostosis, nonsyndromic, susceptibility to. Last evaluated: 2022-01-04. Review status: no assertion criteria provided. Collection method: research. Allele origin: inherited. Affected: yes. Not counted in ClinVar's aggregate classification.